The following is an entry in ClinVar:

ClinVar aggregate classification (germline): Uncertain significance. Review status: criteria provided, multiple submitters, no conflicts (2 of 4 stars). 3 submissions from 3 submitters: Uncertain significance (3). Last evaluated 2022-06-25.

Conditions:
Hereditary nonpolyposis colorectal neoplasms. Identifiers: MedGen C0009405, MeSH D003123.
Hereditary cancer-predisposing syndrome. Also called: Hereditary neoplastic syndrome; Tumor predisposition; Neoplastic Syndromes, Hereditary; Hereditary Cancer Syndrome. Identifiers: Orphanet 140162, MedGen C0027672, MeSH D009386, MONDO:0015356.

Submissions (3):

Labcorp Genetics (formerly Invitae), Labcorp
Classification: Uncertain significance for Hereditary nonpolyposis colorectal neoplasms. Last evaluated: 2022-06-25. Review status: criteria provided, single submitter. Criteria: Invitae Variant Classification Sherloc (09022015). Collection method: clinical testing. Allele origin: germline.
Comment: In summary, the available evidence is currently insufficient to determine the role of this variant in disease. Therefore, it has been classified as a Variant of Uncertain Significance. Advanced modeling of protein sequence and biophysical properties (such as structural, functional, and spatial information, amino acid conservation, physicochemical variation, residue mobility, and thermodynamic stability) performed at Invitae indicates that this missense variant is not expected to disrupt PMS2 protein function. ClinVar contains an entry for this variant (Variation ID: 420599). This variant has not been reported in the literature in individuals affected with PMS2-related conditions. This variant is not present in population databases (gnomAD no frequency). This sequence change replaces glutamic acid, which is acidic and polar, with lysine, which is basic and polar, at codon 491 of the PMS2 protein (p.Glu491Lys).

GeneDx
Classification: Uncertain significance. Last evaluated: 2016-03-02. Review status: criteria provided, single submitter. Criteria: GeneDx Variant Classification (06012015). Collection method: clinical testing. Allele origin: germline. Affected: yes.
Comment: This variant is denoted PMS2 c.1471G>A at the cDNA level, p.Glu491Lys (E491K) at the protein level, and results in the change of a Glutamic Acid to a Lysine (GAG>AAG). This variant has not, to our knowledge, been published in the literature as pathogenic or benign. PMS2 Glu491Lys was not observed in approximately 6,500 individuals of European and African American ancestry in the NHLBI Exome Sequencing Project, suggesting it is not a common benign variant in these populations. Since Glutamic Acid and Lysine differ in polarity, charge, size or other properties, this is considered a non-conservative amino acid substitution. PMS2 Glu491Lys occurs at a position that is not conserved and is not located in a known functional domain (Guarne 2001, Fukui 2011). In silico analyses predict that this variant is unlikely to alter protein structure or function. Based on currently available evidence, it is unclear whether PMS2 Glu491Lys is pathogenic or benign. We consider it to be a variant of uncertain significance.

Ambry Genetics
Classification: Uncertain significance for Hereditary cancer-predisposing syndrome. Last evaluated: 2015-11-07. Review status: criteria provided, single submitter. Criteria: Ambry Variant Classification Scheme 2023. Collection method: clinical testing. Allele origin: germline.
Comment: The p.E491K variant (also known as c.1471G>A), located in coding exon 11 of the PMS2 gene, results from a G to A substitution at nucleotide position 1471. The glutamic acid at codon 491 is replaced by lysine, an amino acid with similar properties. This variant was not reported in population based cohorts in the following databases: Database of Single Nucleotide Polymorphisms (dbSNP), NHLBI Exome Sequencing Project (ESP), and 1000 Genomes Project. In the ESP, this variant was not observed in 6503 samples (13006 alleles) with coverage at this position. To date, this alteration has been detected with an allele frequency of approximately 0.001% (greater than 110000 alleles tested) in our clinical cohort. This amino acid position is not well conserved in available vertebrate species. In addition, this alteration is predicted to be tolerated by in silico analysis. Since supporting evidence is limited at this time, the clinical significance of p.E491K remains unclear.

NM_000535.7(PMS2):c.1471G>A (p.Glu491Lys)

Gene: PMS2 (PMS1 homolog 2, mismatch repair system component; minus strand). Cytogenetic location: 7p22.1.
Variant type: single nucleotide variant.
Coding change: c.1471G>A on transcript NM_000535.7 (MANE Select); coding-DNA position 1471, G replaced by A.
Protein change: p.Glu491Lys; replaces glutamic acid 491 with lysine.
Molecular consequence: missense variant. On other transcripts: non-coding transcript variant (1).
Genome position (GRCh38, 1-based): chr7:5,987,294, C>T on the plus strand (G>A on the coding strand, the complement: PMS2 is on the minus strand). VCF-style: chr7-5987294-C-T. GRCh37 (hg19) VCF-style: chr7-6026925-C-T.
Other names: c.1066G>A, p.Glu356Lys (NM_001322003.2, NM_001322004.2, NM_001322005.2 and 1 more transcripts); c.1315G>A, p.Glu439Lys (NM_001322006.2); c.1153G>A, p.Glu385Lys (NM_001322007.2, NM_001322008.2); c.910G>A, p.Glu304Lys (NM_001322010.2); c.538G>A, p.Glu180Lys (NM_001322011.2, NM_001322012.2); c.898G>A, p.Glu300Lys (NM_001322013.2); c.1471G>A, p.Glu491Lys (NM_001322014.2); c.1162G>A, p.Glu388Lys (NM_001322015.2); short protein forms E491K, E180K, E300K, E439K, E304K, E356K, E385K, E388K.
Identifiers: ClinVar variation 420599 (VCV000420599.12), dbSNP rs1064794577, ClinGen allele CA16618509.
Genomic context (GRCh38, chr7:5,987,294, plus strand): 5'-TGTCTGGGATGCTGAACCCCTCAGAATCCACGGAAGTGCTGCCGTGCCCCGAGTCCTTCT[C>T]CACCTCCGCTCTGTCCGTAGGGTCACTGGGTCCGTGACTGGAACTCACTGCCTCTTTCTG-3'
Protein context (NP_000526.2, residues 481-501): PSDPTDRAEV[Glu491Lys]KDSGHGSTSV